The following is an entry in ClinVar:

NM_017934.7(PHIP):c.4835G>C (p.Cys1612Ser)

Genes: IRAK1BP1 (interleukin 1 receptor associated kinase 1 binding protein 1; plus strand), PHIP (PHIP subunit of CUL4-Ring ligase complex; minus strand). Cytogenetic location: 6q14.1.
Variant type: single nucleotide variant.
Coding change: c.4835G>C on transcript NM_017934.7 (MANE Select); coding-DNA position 4835, G replaced by C.
Protein change: p.Cys1612Ser; replaces cysteine 1612 with serine.
Molecular consequence: missense variant.
Genome position (GRCh38, 1-based): chr6:78,941,324, C>G on the plus strand (G>C on the coding strand, the complement: PHIP is on the minus strand). VCF-style: chr6-78941324-C-G. GRCh37 (hg19) VCF-style: chr6-79651041-C-G.
Other names: short protein forms C1612S.
Identifiers: ClinVar variation 3036717 (VCV003036717.3), dbSNP rs1338187903, ClinGen allele CA364633862.

ClinVar aggregate classification (germline): Likely benign. Review status: criteria provided, single submitter (1 of 4 stars). 2 submissions from 2 submitters: Likely benign (1). 1 of the submissions does not count toward it. Last evaluated 2025-11-15.

Conditions:
PHIP-related disorder. Also called: PHIP-related condition; PHIP-related disorders.

gnomAD v4.1: 1 of 1,612,050 alleles (0.000062%); highest among the groups gnomAD compares: Non-Finnish European, 0.000085%; no homozygotes.

Submissions (2):

Labcorp Genetics (formerly Invitae), Labcorp
Classification: Likely benign. Last evaluated: 2025-11-15. Review status: criteria provided, single submitter. Criteria: Invitae Variant Classification Sherloc (09022015). Collection method: clinical testing. Allele origin: germline.

PreventionGenetics, part of Exact Sciences
Classification: Uncertain significance for PHIP-related condition. Last evaluated: 2024-01-19. Review status: no assertion criteria provided. Collection method: clinical testing. Allele origin: germline. Not counted in ClinVar's aggregate classification.
Comment: The PHIP c.4835G>C variant is predicted to result in the amino acid substitution p.Cys1612Ser. To our knowledge, this variant has not been reported in the literature. This variant is reported in 1 out of ~248,600 allele in gnomAD (Other population). At this time, the clinical significance of this variant is uncertain due to the absence of conclusive functional and genetic evidence.